The following is an entry in ClinVar:

NM_006343.3(MERTK):c.2839G>A (p.Ala947Thr)

Gene: MERTK (MER proto-oncogene, tyrosine kinase; plus strand). Cytogenetic location: 2q13.
Variant type: single nucleotide variant.
Coding change: c.2839G>A on transcript NM_006343.3 (MANE Select); coding-DNA position 2839, G replaced by A.
Protein change: p.Ala947Thr; replaces alanine 947 with threonine.
Molecular consequence: missense variant.
Genome position (GRCh38, 1-based): chr2:112,028,703, G>A. VCF-style: chr2-112028703-G-A. GRCh37 (hg19) VCF-style: chr2-112786280-G-A.
Other names: short protein forms A947T.
Identifiers: ClinVar variation 1390533 (VCV001390533.8), dbSNP rs2104430119, ClinGen allele CA348244458.
Genomic context (GRCh38, chr2:112,028,703, plus strand): 5'-GGACGGTACATCCTGAATGGGGGCAGTGAGGAATGGGAAGATCTGACTTCTGCCCCCTCT[G>A]CTGCAGTCACAGCTGAAAAGAACAGTGTTTTACCGGGGGAGAGACTTGTTAGGAATGGGG-3'
Protein context (NP_006334.2, residues 937-957): EWEDLTSAPS[Ala947Thr]AVTAEKNSVL

ClinVar aggregate classification (germline): Uncertain significance (1 of 4 stars; one submission).

Allele frequency attached by ClinVar (database versions not stated): gnomAD exomes below 0.00001.
gnomAD v4.1: 4 of 1,614,186 alleles (0.00025%); highest among the groups gnomAD compares: South Asian, 0.0022%; no homozygotes.

Submission:

Labcorp Genetics (formerly Invitae), Labcorp
Classification: Uncertain significance. Last evaluated: 2021-03-25. Review status: criteria provided, single submitter. Criteria: Invitae Variant Classification Sherloc (09022015). Collection method: clinical testing. Allele origin: germline.
Comment: This variant has not been reported in the literature in individuals with MERTK-related conditions. In summary, the available evidence is currently insufficient to determine the role of this variant in disease. Therefore, it has been classified as a Variant of Uncertain Significance. Algorithms developed to predict the effect of missense changes on protein structure and function output the following: SIFT: "Tolerated"; PolyPhen-2: "Benign"; Align-GVGD: "Class C0". The threonine amino acid residue is found in multiple mammalian species, suggesting that this missense change does not adversely affect protein function. These predictions have not been confirmed by published functional studies and their clinical significance is uncertain. This variant is not present in population databases (ExAC no frequency). This sequence change replaces alanine with threonine at codon 947 of the MERTK protein (p.Ala947Thr). The alanine residue is highly conserved and there is a small physicochemical difference between alanine and threonine.